The following is an entry in ClinVar:

NM_212482.4(FN1):c.304A>G (p.Thr102Ala)

Genes: FN1 (fibronectin 1; minus strand), LOC126806499 (CDK7 strongly-dependent group 2 enhancer GRCh37_chr2:216298103-216299302; plus strand). Cytogenetic location: 2q35.
Variant type: single nucleotide variant.
Coding change: c.304A>G on transcript NM_212482.4 (MANE Select); coding-DNA position 304, A replaced by G.
Protein change: p.Thr102Ala; replaces threonine 102 with alanine.
Molecular consequence: missense variant.
Genome position (GRCh38, 1-based): chr2:215,433,435, T>C on the plus strand (A>G on the coding strand, the complement: FN1 is on the minus strand). VCF-style: chr2-215433435-T-C. GRCh37 (hg19) VCF-style: chr2-216298158-T-C.
Other names: c.304A>G, p.Thr102Ala (NM_001306129.2, NM_001306130.2, NM_001306131.2 and 14 more transcripts); short protein forms T102A.
Identifiers: ClinVar variation 3654528 (VCV003654528.1).
Genomic context (GRCh38, chr2:215,433,435, plus strand): 5'-CCCAGATCATGGAGTCTTTAGGACGCTCATAAGTGTCACCCACTCGGTAAGTGTTCCCAG[T>C]GTACTTGTCAAAGCAAGTCTCTTCAGCTGAGGGGAAAAGGAAAGTCCATGTGAGCCTCAC-3'
Protein context (NP_997647.2, residues 92-112): EAEETCFDKY[Thr102Ala]GNTYRVGDTY

ClinVar aggregate classification (germline): Uncertain significance (1 of 4 stars; one submission).

gnomAD v4.1: 4 of 1,614,056 alleles (0.00025%); highest among the groups gnomAD compares: African/African-American, 0.0027%; no homozygotes.

Submission:

Labcorp Genetics (formerly Invitae), Labcorp
Classification: Uncertain significance. Last evaluated: 2024-05-06. Review status: criteria provided, single submitter. Criteria: Invitae Variant Classification Sherloc (09022015). Collection method: clinical testing. Allele origin: germline.
Comment: This sequence change replaces threonine, which is neutral and polar, with alanine, which is neutral and non-polar, at codon 102 of the FN1 protein (p.Thr102Ala). This variant is present in population databases (no rsID available, gnomAD 0.01%). This variant has not been reported in the literature in individuals affected with FN1-related conditions. Advanced modeling of protein sequence and biophysical properties (such as structural, functional, and spatial information, amino acid conservation, physicochemical variation, residue mobility, and thermodynamic stability) performed at Invitae indicates that this missense variant is not expected to disrupt FN1 protein function with a negative predictive value of 80%. In summary, the available evidence is currently insufficient to determine the role of this variant in disease. Therefore, it has been classified as a Variant of Uncertain Significance.